The following is an entry in ClinVar:

ClinVar aggregate classification (germline): Uncertain significance (1 of 4 stars; one submission).

Allele frequency attached by ClinVar (database versions not stated): gnomAD exomes below 0.00001.
gnomAD v4.1: 1 of 1,614,202 alleles (0.000062%); highest among the groups gnomAD compares: Non-Finnish European, 0.000085%; no homozygotes.

Submission:

Labcorp Genetics (formerly Invitae), Labcorp
Classification: Uncertain significance. Last evaluated: 2022-08-23. Review status: criteria provided, single submitter. Criteria: Invitae Variant Classification Sherloc (09022015). Collection method: clinical testing. Allele origin: germline.
Comment: In summary, the available evidence is currently insufficient to determine the role of this variant in disease. Therefore, it has been classified as a Variant of Uncertain Significance. Algorithms developed to predict the effect of missense changes on protein structure and function (SIFT, PolyPhen-2, Align-GVGD) all suggest that this variant is likely to be tolerated. This variant has not been reported in the literature in individuals affected with PRPF6-related conditions. This variant is not present in population databases (gnomAD no frequency). This sequence change replaces aspartic acid, which is acidic and polar, with asparagine, which is neutral and polar, at codon 68 of the PRPF6 protein (p.Asp68Asn).

NM_012469.4(PRPF6):c.202G>A (p.Asp68Asn)

Gene: PRPF6 (pre-mRNA processing factor 6; plus strand). Cytogenetic location: 20q13.33.
Variant type: single nucleotide variant.
Coding change: c.202G>A on transcript NM_012469.4 (MANE Select); coding-DNA position 202, G replaced by A.
Protein change: p.Asp68Asn; replaces aspartic acid 68 with asparagine.
Molecular consequence: missense variant.
Genome position (GRCh38, 1-based): chr20:63,983,177, G>A. VCF-style: chr20-63983177-G-A. GRCh37 (hg19) VCF-style: chr20-62614530-G-A.
Other names: short protein forms D68N.
Identifiers: ClinVar variation 1717821 (VCV001717821.5), dbSNP rs2517605405, ClinGen allele CA409797557.